The following is an entry in ClinVar:

NM_000245.4(MET):c.738del (p.Ile247fs)

Gene: MET (MET proto-oncogene, receptor tyrosine kinase; plus strand). Cytogenetic location: 7q31.2.
Variant type: Deletion.
Coding change: c.738del on transcript NM_000245.4 (MANE Select); coding-DNA position 738, one base deleted (C; older notation c.738delC).
Protein change: p.Ile247fs; shifts the reading frame from isoleucine 247.
Molecular consequence: frameshift variant. On other transcripts: intron variant (1).
Genome position (GRCh38, 1-based): chr7:116,699,822, C deleted; the last of 4 consecutive C bases (chr7:116,699,819-116,699,822); deleting any one gives the same sequence. VCF-style (leftmost placement, unchanged base first): chr7-116699818-AC-A. GRCh37 (hg19) VCF-style: chr7-116339872-AC-A.
Other names: c.738del, p.Ile247fs (NM_001127500.3, NM_001324401.3); c.-91+27245del (NM_001324402.2); short protein forms I247fs.
Identifiers: ClinVar variation 2562479 (VCV002562479.3), dbSNP rs1584877533, ClinGen allele CA2580617089.
Genomic context (GRCh38, chr7:116,699,818, plus strand): 5'-GTTTTATGTTTTTGACGGACCAGTCCTACATTGATGTTTTACCTGAGTTCAGAGATTCTT[AC>A]CCCATTAAGTATGTCCATGCCTTTGAAAGCAACAATTTTATTTACTTCTTGACGGTCCAA-3'

ClinVar aggregate classification (germline): Uncertain significance (1 of 4 stars; one submission).

Conditions:
Hereditary cancer-predisposing syndrome. Also called: Neoplastic Syndromes, Hereditary; Hereditary Cancer Syndrome; Hereditary neoplastic syndrome; Tumor predisposition. Identifiers: Orphanet 140162, MedGen C0027672, MeSH D009386, MONDO:0015356.

Submission:

Ambry Genetics
Classification: Uncertain significance for Hereditary cancer-predisposing syndrome. Last evaluated: 2025-08-11. Review status: criteria provided, single submitter. Criteria: Ambry Variant Classification Scheme 2023. Collection method: clinical testing. Allele origin: germline.
Comment: The c.738delC variant, located in coding exon 1 of the MET gene, results from a deletion of one nucleotide at nucleotide position 738, causing a translational frameshift with a predicted alternate stop codon (p.I247Lfs*16). This alteration is expected to result in protein truncation or nonsense-mediated mRNA decay. However, loss of function of MET has not been established as a mechanism of disease. Based on the available evidence, the clinical significance of this variant remains unclear.